The following is an entry in ClinVar:

ClinVar aggregate classification (germline): Uncertain significance (1 of 4 stars; one submission).

Submission:

GeneDx
Classification: Uncertain significance. Last evaluated: 2019-04-15. Review status: criteria provided, single submitter. Criteria: GeneDx Variant Classification Process June 2021. Collection method: clinical testing. Allele origin: germline. Affected: yes.
Comment: Not observed in large population cohorts (Lek et al., 2016); Canonical splice site variant predicted to result in an in-frame deletion of exon 73 [aa 4310-aa 4375]; Has not been previously published as pathogenic or benign to our knowledge; Variants in candidate genes are classified as variants of uncertain significance in accordance with ACMG guidelines (Richards et al., 2015)

NM_001394062.1(MACF1):c.19302+1G>A

Gene: MACF1 (microtubule actin crosslinking factor 1; plus strand). Cytogenetic location: 1p34.3.
Variant type: single nucleotide variant.
Coding change: c.19302+1G>A on transcript NM_001394062.1 (MANE Select); the canonical splice donor site of the intron after coding-DNA position 19302, G replaced by A.
Molecular consequence: splice donor variant.
Genome position (GRCh38, 1-based): chr1:39,442,912, G>A. VCF-style: chr1-39442912-G-A. GRCh37 (hg19) VCF-style: chr1-39908584-G-A.
Other names: c.13125+1G>A (NM_012090.5); c.7380+1G>A (NM_001397473.1).
Identifiers: ClinVar variation 1305251 (VCV001305251.2), dbSNP rs2148666864, ClinGen allele CA339815360.